The following is an entry in ClinVar:

NM_152703.5(SAMD9L):c.3260C>T (p.Ala1087Val)

Gene: SAMD9L (sterile alpha motif domain containing 9 like; minus strand). Cytogenetic location: 7q21.2.
Variant type: single nucleotide variant.
Coding change: c.3260C>T on transcript NM_152703.5 (MANE Select); coding-DNA position 3260, C replaced by T.
Protein change: p.Ala1087Val; replaces alanine 1087 with valine.
Molecular consequence: missense variant.
Genome position (GRCh38, 1-based): chr7:93,132,712, G>A on the plus strand (C>T on the coding strand, the complement: SAMD9L is on the minus strand). VCF-style: chr7-93132712-G-A. GRCh37 (hg19) VCF-style: chr7-92762025-G-A.
Other names: c.3260C>T (NM_152703.2); c.3260C>T, p.Ala1087Val (NM_001303496.3, NM_001303497.3, NM_001303498.3 and 5 more transcripts); short protein forms A1087V.
Identifiers: ClinVar variation 2577883 (VCV002577883.6), dbSNP rs747115736, ClinGen allele CA4343477.

ClinVar aggregate classification (germline): Uncertain significance. Review status: criteria provided, multiple submitters, no conflicts (2 of 4 stars). 3 submissions from 3 submitters: Uncertain significance (3). Last evaluated 2025-10-18.

Conditions:
Ataxia-pancytopenia syndrome (ATXPC). Also called: SAMD9L Ataxia-Pancytopenia Syndrome; SAMD9L-Related Syndrome. Identifiers: Orphanet 2585, MedGen C1327919, MONDO:0008038, OMIM 159550.
Inborn genetic diseases. Identifiers: MedGen C0950123, MeSH D030342.

Allele frequency attached by ClinVar (database versions not stated): ExAC 0.00001; TOPMed 0.00001.
gnomAD v4.1: 10 of 1,613,814 alleles (0.00062%); highest among the groups gnomAD compares: Non-Finnish European, 0.00085%; no homozygotes.

Submissions (3):

Ambry Genetics
Classification: Uncertain significance for Inborn genetic diseases. Last evaluated: 2025-10-18. Review status: criteria provided, single submitter. Criteria: Ambry Variant Classification Scheme 2023. Collection method: clinical testing. Allele origin: germline.

Labcorp Genetics (formerly Invitae), Labcorp
Classification: Uncertain significance. Last evaluated: 2024-10-07. Review status: criteria provided, single submitter. Criteria: Invitae Variant Classification Sherloc (09022015). Collection method: clinical testing. Allele origin: germline.
Comment: This sequence change replaces alanine, which is neutral and non-polar, with valine, which is neutral and non-polar, at codon 1087 of the SAMD9L protein (p.Ala1087Val). This variant is present in population databases (rs747115736, gnomAD 0.0009%). This variant has not been reported in the literature in individuals affected with SAMD9L-related conditions. ClinVar contains an entry for this variant (Variation ID: 2577883). Invitae Evidence Modeling of protein sequence and biophysical properties (such as structural, functional, and spatial information, amino acid conservation, physicochemical variation, residue mobility, and thermodynamic stability) indicates that this missense variant is not expected to disrupt SAMD9L protein function with a negative predictive value of 80%. In summary, the available evidence is currently insufficient to determine the role of this variant in disease. Therefore, it has been classified as a Variant of Uncertain Significance.

St. Jude Molecular Pathology, St. Jude Children's Research Hospital
Classification: Uncertain significance for Ataxia-pancytopenia syndrome. Last evaluated: 2023-08-03. Review status: criteria provided, single submitter. Criteria: St. Jude Assertion Criteria 2020. Collection method: clinical testing. Allele origin: germline.
Comment: The SAMD9L c.3260C>T (p.Ala1087Val) missense change has a maximum subpopulation frequency of 0.00089% in gnomAD v2.1.1. The in silico tool REVEL predicts a benign effect of this variant on protein function, and to our knowledge functional studies have not been performed. In silico predictions have not been found to correlate with syndromic risk and are not considered supporting evidence of a pathogenic or benign effect (PMID: 34621053). To our knowledge, this variant has not been reported in individuals with ataxia-pancytopenia syndrome or monosomy 7 myelodysplasia and leukemia syndrome. In summary, the evidence currently available is insufficient to determine the clinical significance of this variant. It has therefore been classified as of uncertain significance.